The following is an entry in ClinVar:

ClinVar aggregate classification (germline): Benign/Likely benign. Review status: criteria provided, multiple submitters, no conflicts (2 of 4 stars). 10 submissions from 10 submitters: Benign (9); Likely benign (1). Last evaluated 2026-02-04.

Conditions:
Autosomal recessive severe congenital neutropenia due to G6PC3 deficiency. Also called: NEUTROPENIA, SEVERE CONGENITAL, 4, AUTOSOMAL RECESSIVE; G6PC3 Deficiency. Identifiers: Orphanet 331176, MedGen C2751630, MONDO:0012930, OMIM 612541.

Allele frequency attached by ClinVar (database versions not stated): ESP Exome Variant Server 0.08535; gnomAD 0.12385 and 0.13490; TOPMed 0.14767; ExAC 0.17677; gnomAD exomes 0.18946; 1000 Genomes Project 30x 0.25937; 1000 Genomes Project 0.26997.
gnomAD v4.1: 180,701 of 1,613,860 alleles (11%); highest among the groups gnomAD compares: East Asian, 72%; 22,726 homozygotes.

Submissions (10):

Labcorp Genetics (formerly Invitae), Labcorp
Classification: Benign for Autosomal recessive severe congenital neutropenia due to G6PC3 deficiency. Last evaluated: 2026-02-04. Review status: criteria provided, single submitter. Criteria: Invitae Variant Classification Sherloc (09022015). Collection method: clinical testing. Allele origin: germline.

Women's Health and Genetics/Laboratory Corporation of America, LabCorp
Classification: Benign. Last evaluated: 2026-01-21. Review status: criteria provided, single submitter. Criteria: LabCorp Variant Classification Summary - May 2015. Collection method: clinical testing. Allele origin: germline.

ARUP Laboratories, Molecular Genetics and Genomics, ARUP Laboratories
Classification: Benign. Last evaluated: 2025-07-28. Review status: criteria provided, single submitter. Criteria: ARUP Molecular Germline Variant Investigation Process 2024. Collection method: clinical testing. Allele origin: germline.

Blueprint Genetics
Classification: Likely benign. Last evaluated: 2024-11-27. Review status: criteria provided, single submitter. Criteria: ACMG Guidelines, 2015. Collection method: clinical testing. Allele origin: germline.

Mayo Clinic Laboratories, Mayo Clinic
Classification: Benign. Last evaluated: 2019-01-03. Review status: criteria provided, single submitter. Criteria: ACMG Guidelines, 2015. Collection method: clinical testing. Allele origin: germline. Observed: 393 variant alleles.

GeneDx
Classification: Benign. Last evaluated: 2018-09-04. Review status: criteria provided, single submitter. Criteria: GeneDx Variant Classification Process June 2021. Collection method: clinical testing. Allele origin: germline. Affected: yes.

Illumina Laboratory Services, Illumina
Classification: Benign for Autosomal recessive severe congenital neutropenia due to G6PC3 deficiency. Last evaluated: 2018-01-13. Review status: criteria provided, single submitter. Criteria: ICSL Variant Classification Criteria 13 December 2019. Collection method: clinical testing. Allele origin: germline.
Comment: This variant was observed in the ICSL laboratory as part of a predisposition screen in an ostensibly healthy population. It had not been previously curated by ICSL or reported in the Human Gene Mutation Database (HGMD: prior to June 1st, 2018), and was therefore a candidate for classification through an automated scoring system. Utilizing variant allele frequency, disease prevalence and penetrance estimates, and inheritance mode, an automated score was calculated to assess if this variant is too frequent to cause the disease. Based on the score and internal cut-off values, a variant classified as benign is not then subjected to further curation. The score for this variant resulted in a classification of benign for this disease.

Laboratory for Molecular Medicine, Mass General Brigham Personalized Medicine
Classification: Benign. Last evaluated: 2016-03-29. Review status: criteria provided, single submitter. Criteria: LMM Criteria. Collection method: clinical testing. Allele origin: germline.
Comment: Variant identified in a genome or exome case(s) and assessed due to predicted null impact of the variant or pathogenic assertions in the literature or databases. Disclaimer: This variant has not undergone full assessment. The following are preliminary notes: Frequency

Breakthrough Genomics
Classification: Benign. Review status: criteria provided, single submitter. Criteria: ACMG Guidelines, 2015. Collection method: not provided. Allele origin: germline. Inheritance: Autosomal recessive inheritance. Affected: yes.

PreventionGenetics, part of Exact Sciences
Classification: Benign. Review status: criteria provided, single submitter. Criteria: ACMG Guidelines, 2015. Collection method: clinical testing. Allele origin: germline.

NM_138387.4(G6PC3):c.381G>A (p.Thr127=)

Gene: G6PC3 (glucose-6-phosphatase catalytic subunit 3; plus strand). Cytogenetic location: 17q21.31.
Variant type: single nucleotide variant.
Coding change: c.381G>A on transcript NM_138387.4 (MANE Select); coding-DNA position 381, G replaced by A.
Protein change: p.Thr127=; no amino-acid change (threonine 127 retained).
Molecular consequence: synonymous variant.
Genome position (GRCh38, 1-based): chr17:44,074,735, G>A. VCF-style: chr17-44074735-G-A. GRCh37 (hg19) VCF-style: chr17-42152103-G-A.
Other names: p.Thr127=; c.381G>A, p.Thr127= (NM_001319945.2); c.36G>A, p.Thr12= (NM_001384165.1, NM_001384166.1, NM_001384167.1 and 1 more transcripts).
Identifiers: ClinVar variation 262366 (VCV000262366.24), dbSNP rs3815076, ClinGen allele CA8595996.
Genomic context (GRCh38, chr17:44,074,735, plus strand): 5'-GGCAGGCAGCCCTTCTGGACACTGCATGATCACAGGAGCAGCCCTCTGGCCCATAATGAC[G>A]GCCCTGTCTTCGCAGGTGGCCACTCGGGCCCGCAGGTATACCCTTGGCATTGCCCACCAT-3'
Protein context (NP_612396.1, residues 117-137): ITGAALWPIM[Thr127=]ALSSQVATRA